The following is an entry in ClinVar:

NM_000891.3(KCNJ2):c.778C>T (p.Arg260Cys)

Gene: KCNJ2 (potassium inwardly rectifying channel subfamily J member 2; plus strand). Cytogenetic location: 17q24.3.
Variant type: single nucleotide variant.
Coding change: c.778C>T on transcript NM_000891.3 (MANE Select); coding-DNA position 778, C replaced by T.
Protein change: p.Arg260Cys; replaces arginine 260 with cysteine.
Molecular consequence: missense variant.
Genome position (GRCh38, 1-based): chr17:70,175,817, C>T. VCF-style: chr17-70175817-C-T. GRCh37 (hg19) VCF-style: chr17-68171958-C-T.
Other names: short protein forms R260C.
Identifiers: ClinVar variation 1306566 (VCV001306566.6), dbSNP rs2144377429, ClinGen allele CA400862039.

ClinVar aggregate classification (germline): Conflicting classifications of pathogenicity. Review status: criteria provided, conflicting classifications (1 of 4 stars). 2 submissions from 2 submitters: Likely pathogenic (1); Uncertain significance (1). Last evaluated 2026-09-24.

Conditions:
Andersen Tawil syndrome (LQT7). Also called: ANDERSEN CARDIODYSRHYTHMIC PERIODIC PARALYSIS; Potassium-sensitive periodic paralysis, ventricular ectopy, and dysmorphic features; LONG QT SYNDROME 7; PERIODIC PARALYSIS, POTASSIUM-SENSITIVE CARDIODYSRHYTHMIC TYPE; Andersen Syndrome. Identifiers: Orphanet 37553, MedGen C1563715, MONDO:0008222, OMIM 170390.
Short QT syndrome type 3. Identifiers: Orphanet 51083, MedGen C1865018, MONDO:0012314, OMIM 609622.

Allele frequency attached by ClinVar (database versions not stated): gnomAD exomes below 0.00001.
gnomAD v4.1: 2 of 1,614,110 alleles (0.00012%); highest among the groups gnomAD compares: Non-Finnish European, 0.00017%; no homozygotes.

Submissions (2):

GeneDx
Classification: Uncertain significance. Last evaluated: 2026-09-24. Review status: criteria provided, single submitter. Criteria: GeneDx Variant Classification Process June 2021. Collection method: clinical testing. Allele origin: germline.
Comment: Not observed at significant frequency in large population cohorts (gnomAD); In silico analysis supports that this missense variant has a deleterious effect on protein structure/function; Has not been previously published as pathogenic or benign to our knowledge

Labcorp Genetics (formerly Invitae), Labcorp
Classification: Likely pathogenic for Short QT syndrome type 3; Andersen Tawil syndrome. Last evaluated: 2025-05-12. Review status: criteria provided, single submitter. Criteria: Invitae Variant Classification Sherloc (09022015). Collection method: clinical testing. Allele origin: germline.
Comment: This sequence change replaces arginine, which is basic and polar, with cysteine, which is neutral and slightly polar, at codon 260 of the KCNJ2 protein (p.Arg260Cys). This variant is not present in population databases (gnomAD no frequency). This variant has not been reported in the literature in individuals affected with KCNJ2-related conditions. ClinVar contains an entry for this variant (Variation ID: 1306566). Invitae Evidence Modeling of protein sequence and biophysical properties (such as structural, functional, and spatial information, amino acid conservation, physicochemical variation, residue mobility, and thermodynamic stability) indicates that this missense variant is expected to disrupt KCNJ2 protein function with a positive predictive value of 95%. This variant disrupts the p.Arg260 amino acid residue in KCNJ2. Other variant(s) that disrupt this residue have been determined to be pathogenic (internal data). This suggests that this residue is clinically significant, and that variants that disrupt this residue are likely to be disease-causing. In summary, the currently available evidence indicates that the variant is pathogenic, but additional data are needed to prove that conclusively. Therefore, this variant has been classified as Likely Pathogenic.